The following is an entry in ClinVar:

NM_016203.4(PRKAG2):c.575A>C (p.Tyr192Ser)

Gene: PRKAG2 (protein kinase AMP-activated non-catalytic subunit gamma 2; minus strand). Cytogenetic location: 7q36.1.
Variant type: single nucleotide variant.
Coding change: c.575A>C on transcript NM_016203.4 (MANE Select); coding-DNA position 575, A replaced by C.
Protein change: p.Tyr192Ser; replaces tyrosine 192 with serine.
Molecular consequence: missense variant.
Genome position (GRCh38, 1-based): chr7:151,675,529, T>G on the plus strand (A>C on the coding strand, the complement: PRKAG2 is on the minus strand). VCF-style: chr7-151675529-T-G. GRCh37 (hg19) VCF-style: chr7-151372615-T-G.
Other names: c.443A>C, p.Tyr148Ser (NM_001040633.2, NM_001407024.1, NM_001407026.1 and 1 more transcripts); c.203A>C, p.Tyr68Ser (NM_001304527.2, NM_001363698.2, NM_001407028.1 and 1 more transcripts); c.575A>C, p.Tyr192Ser (NM_001407021.1, NM_001407022.1, NM_001407023.1); c.257A>C, p.Tyr86Ser (NM_001407032.1); short protein forms Y148S, Y68S, Y86S, Y192S.
Identifiers: ClinVar variation 1749460 (VCV001749460.2), dbSNP rs146578426, ClinGen allele CA370187712.

ClinVar aggregate classification (germline): Uncertain significance (1 of 4 stars; one submission).

Conditions:
Cardiovascular phenotype. Identifiers: MedGen CN230736.

Submission:

Ambry Genetics
Classification: Uncertain significance for Cardiovascular phenotype. Last evaluated: 2022-09-02. Review status: criteria provided, single submitter. Criteria: Ambry Variant Classification Scheme 2023. Collection method: clinical testing. Allele origin: germline.
Comment: The p.Y192S variant (also known as c.575A>C), located in coding exon 4 of the PRKAG2 gene, results from an A to C substitution at nucleotide position 575. The tyrosine at codon 192 is replaced by serine, an amino acid with dissimilar properties. This amino acid position is conserved. In addition, the in silico prediction for this alteration is inconclusive. Since supporting evidence is limited at this time, the clinical significance of this alteration remains unclear.